The following is an entry in ClinVar:

ClinVar aggregate classification (germline): Uncertain significance (1 of 4 stars; one submission).

Submission:

GeneDx
Classification: Uncertain significance. Last evaluated: 2025-09-16. Review status: criteria provided, single submitter. Criteria: GeneDx Variant Classification Process June 2021. Collection method: clinical testing. Allele origin: germline.
Comment: Frameshift variant predicted to result in abnormal protein length as the last 1 amino acid(s) are replaced with 37 different amino acid(s); Not observed at significant frequency in large population cohorts (gnomAD); Has not been previously published as pathogenic or benign to our knowledge

NM_001367721.1(CASK):c.2776_2777insTA (p.Tyr926fs)

Genes: CASK (calcium/calmodulin dependent serine protein kinase; minus strand), CASK-AS1 (CASK antisense RNA 1; plus strand). Cytogenetic location: Xp11.4.
Variant type: Insertion.
Coding change: c.2776_2777insTA on transcript NM_001367721.1 (MANE Select); coding-DNA positions 2776 to 2777, TA inserted.
Protein change: p.Tyr926fs; shifts the reading frame from tyrosine 926.
Molecular consequence: frameshift variant.
Genome position: GRCh38 VCF-style: chrX-41520424-T-TTA. GRCh37 (hg19) VCF-style: chrX-41379677-T-TTA.
Other names: c.2692_2693insTA, p.Tyr898fs (NM_001126054.3); c.2689_2690insTA, p.Tyr897fs (NM_001126055.3); c.2758_2759insTA, p.Tyr920fs (NM_001410745.1); c.2761_2762insTA, p.Tyr921fs (NM_003688.4); short protein forms Y897fs, Y898fs, Y920fs, Y921fs, Y926fs.
Identifiers: ClinVar variation 2573781 (VCV002573781.2), dbSNP rs2519651291, ClinGen allele CA2580617002.